The following is an entry in ClinVar:

ClinVar aggregate classification (germline): Uncertain significance (1 of 4 stars; one submission).

Conditions:
POLD1-related polyposis and colorectal cancer syndrome (CRCS10). Also called: Colorectal cancer 10; COLORECTAL CANCER, SUSCEPTIBILITY TO, ON CHROMOSOME 19q; Colorectal cancer, susceptibility to, 10. Identifiers: Orphanet 220460, MedGen C2675481, MONDO:0012953, OMIM 612591.

Allele frequency attached by ClinVar (database versions not stated): gnomAD exomes 0.00001; ExAC 0.00002.

Submission:

Labcorp Genetics (formerly Invitae), Labcorp
Classification: Uncertain significance for POLD1-related polyposis and colorectal cancer syndrome. Last evaluated: 2022-07-06. Review status: criteria provided, single submitter. Criteria: Invitae Variant Classification Sherloc (09022015). Collection method: clinical testing. Allele origin: germline.
Comment: This sequence change replaces aspartic acid, which is acidic and polar, with asparagine, which is neutral and polar, at codon 102 of the POLD1 protein (p.Asp102Asn). In summary, the available evidence is currently insufficient to determine the role of this variant in disease. Therefore, it has been classified as a Variant of Uncertain Significance. Algorithms developed to predict the effect of missense changes on protein structure and function are either unavailable or do not agree on the potential impact of this missense change (SIFT: "Deleterious"; PolyPhen-2: "Probably Damaging"; Align-GVGD: "Class C0"). ClinVar contains an entry for this variant (Variation ID: 581360). This variant has not been reported in the literature in individuals affected with POLD1-related conditions. This variant is present in population databases (rs766784938, gnomAD 0.01%).

NM_002691.4(POLD1):c.304G>A (p.Asp102Asn)

Gene: POLD1 (DNA polymerase delta 1, catalytic subunit; plus strand). Cytogenetic location: 19q13.33.
Variant type: single nucleotide variant.
Coding change: c.304G>A on transcript NM_002691.4 (MANE Select); coding-DNA position 304, G replaced by A.
Protein change: p.Asp102Asn; replaces aspartic acid 102 with asparagine.
Molecular consequence: missense variant. On other transcripts: non-coding transcript variant (1).
Genome position (GRCh38, 1-based): chr19:50,399,472, G>A. VCF-style: chr19-50399472-G-A. GRCh37 (hg19) VCF-style: chr19-50902729-G-A.
Other names: c.304G>A, p.Asp102Asn (NM_001256849.1, NM_001308632.1); short protein forms D102N.
Identifiers: ClinVar variation 581360 (VCV000581360.8), dbSNP rs766784938, ClinGen allele CA9595676.